The following is an entry in ClinVar:

ClinVar aggregate classification (germline): Uncertain significance (1 of 4 stars; one submission).

Conditions:
Oligodontia-cancer predisposition syndrome. Also called: TOOTH AGENESIS-COLORECTAL CANCER SYNDROME. Identifiers: Orphanet 300576, MedGen C1837750, MONDO:0012075, OMIM 608615. Disease mechanism: loss of function.

gnomAD v4.1: 2 of 1,614,078 alleles (0.00012%); highest among the groups gnomAD compares: Non-Finnish European, 0.00017%; no homozygotes.

Submission:

Labcorp Genetics (formerly Invitae), Labcorp
Classification: Uncertain significance for Oligodontia-cancer predisposition syndrome. Last evaluated: 2024-09-29. Review status: criteria provided, single submitter. Criteria: Invitae Variant Classification Sherloc (09022015). Collection method: clinical testing. Allele origin: germline.
Comment: This sequence change replaces alanine, which is neutral and non-polar, with valine, which is neutral and non-polar, at codon 131 of the AXIN2 protein (p.Ala131Val). This variant is not present in population databases (gnomAD no frequency). This variant has not been reported in the literature in individuals affected with AXIN2-related conditions. Invitae Evidence Modeling of protein sequence and biophysical properties (such as structural, functional, and spatial information, amino acid conservation, physicochemical variation, residue mobility, and thermodynamic stability) indicates that this missense variant is not expected to disrupt AXIN2 protein function with a negative predictive value of 80%. In summary, the available evidence is currently insufficient to determine the role of this variant in disease. Therefore, it has been classified as a Variant of Uncertain Significance.

NM_004655.4(AXIN2):c.392C>T (p.Ala131Val)

Gene: AXIN2 (axin 2; minus strand). Cytogenetic location: 17q24.1.
Variant type: single nucleotide variant.
Coding change: c.392C>T on transcript NM_004655.4 (MANE Select); coding-DNA position 392, C replaced by T.
Protein change: p.Ala131Val; replaces alanine 131 with valine.
Molecular consequence: missense variant.
Genome position (GRCh38, 1-based): chr17:65,558,229, G>A on the plus strand (C>T on the coding strand, the complement: AXIN2 is on the minus strand). VCF-style: chr17-65558229-G-A. GRCh37 (hg19) VCF-style: chr17-63554347-G-A.
Other names: c.392C>T, p.Ala131Val (NM_001363813.1); short protein forms A131V.
Identifiers: ClinVar variation 3707728 (VCV003707728.2).
Genomic context (GRCh38, chr17:65,558,229, plus strand): 5'-GGCTTCAGCTGCTTGGAGACAATGCTGTTGTTCTCAATGTACCTTTTGTAGATCGCTTTG[G>A]CTACTCGTAAAGTTTTGGTATCCTTCAGGTTCATCTGCCTGAATCCATTGCAGGCAAACC-3'
Protein context (NP_004646.3, residues 121-141): NLKDTKTLRV[Ala131Val]KAIYKRYIEN